The following is an entry in ClinVar:

NM_001035.3(RYR2):c.9296T>C (p.Val3099Ala)

Gene: RYR2 (ryanodine receptor 2; plus strand). Cytogenetic location: 1q43.
Variant type: single nucleotide variant.
Coding change: c.9296T>C on transcript NM_001035.3 (MANE Select); coding-DNA position 9296, T replaced by C.
Protein change: p.Val3099Ala; replaces valine 3099 with alanine.
Molecular consequence: missense variant.
Genome position (GRCh38, 1-based): chr1:237,700,396, T>C. VCF-style: chr1-237700396-T-C. GRCh37 (hg19) VCF-style: chr1-237863696-T-C.
Other names: c.9296T>C (NM_001035.2); short protein forms V3099A.
Identifiers: ClinVar variation 925973 (VCV000925973.10), dbSNP rs1687862870, ClinGen allele CA345406109.
Genomic context (GRCh38, chr1:237,700,396, plus strand): 5'-AGTTCACTCACACCCGAAACCAGCCCAAAGGGGTTACTCAGATTATCAATTACACCACAG[T>C]GGCCCTGCTGCCAATGCTGTCTTCATTATTTGAACATATTGGCCAGCATCAGTTCGGAGA-3'
Protein context (NP_001026.2, residues 3089-3109): GVTQIINYTT[Val3099Ala]ALLPMLSSLF

ClinVar aggregate classification (germline): Uncertain significance. Review status: criteria provided, multiple submitters, no conflicts (2 of 4 stars). 4 submissions from 4 submitters: Uncertain significance (4). Last evaluated 2025-12-14.

Conditions:
Cardiomyopathy (CMYO). Also called: Cardiomyopathies. Identifiers: Orphanet 167848, MedGen C0878544, MONDO:0004994, HP:0001638. Inheritance: Various modes of inheritance.
Catecholaminergic polymorphic ventricular tachycardia (CVPT). Also called: Catecholamine-induced polymorphic ventricular tachycardia. Identifiers: Orphanet 3286, MedGen C5574922, MONDO:0017990.
Catecholaminergic polymorphic ventricular tachycardia 1. Also called: VENTRICULAR TACHYCARDIA, CATECHOLAMINERGIC POLYMORPHIC, 1, WITH OR WITHOUT ATRIAL DYSFUNCTION AND/OR DILATED CARDIOMYOPATHY; VENTRICULAR TACHYCARDIA, STRESS-INDUCED POLYMORPHIC 1; RYR2-Related Catecholaminergic Polymorphic Ventricular Tachycardia. Identifiers: Orphanet 3286, MedGen C1631597, MONDO:0011484, OMIM 604772.
Cardiovascular phenotype. Identifiers: MedGen CN230736.

Allele frequency attached by ClinVar (database versions not stated): gnomAD exomes below 0.00001.
gnomAD v4.1: 3 of 1,609,712 alleles (0.00019%); highest among the groups gnomAD compares: Non-Finnish European, 0.00017%; no homozygotes.

Submissions (4):

Labcorp Genetics (formerly Invitae), Labcorp
Classification: Uncertain significance for Catecholaminergic polymorphic ventricular tachycardia 1. Last evaluated: 2025-12-14. Review status: criteria provided, single submitter. Criteria: Invitae Variant Classification Sherloc (09022015). Collection method: clinical testing. Allele origin: germline.
Comment: This sequence change replaces valine, which is neutral and non-polar, with alanine, which is neutral and non-polar, at codon 3099 of the RYR2 protein (p.Val3099Ala). This variant is not present in population databases (gnomAD no frequency). This variant has not been reported in the literature in individuals affected with RYR2-related conditions. ClinVar contains an entry for this variant (Variation ID: 925973). Invitae Evidence Modeling of protein sequence and biophysical properties (such as structural, functional, and spatial information, amino acid conservation, physicochemical variation, residue mobility, and thermodynamic stability) indicates that this missense variant is not expected to disrupt RYR2 protein function with a negative predictive value of 95%. In summary, the available evidence is currently insufficient to determine the role of this variant in disease. Therefore, it has been classified as a Variant of Uncertain Significance.

Color Diagnostics, LLC DBA Color Health
Classification: Uncertain significance for Cardiomyopathy. Last evaluated: 2024-03-06. Review status: criteria provided, single submitter. Criteria: ACMG Guidelines, 2015. Collection method: clinical testing. Allele origin: germline.
Comment: This variant is located in the RYR2 protein. Computational prediction suggests that this variant may not impact protein structure and function (internally defined REVEL score threshold <= 0.5, PMID: 27666373). To our knowledge, functional studies have not been reported for this variant. This variant has not been reported in individuals affected with cardiovascular disorders in the literature. This variant has not been identified in the general population by the Genome Aggregation Database (gnomAD). The available evidence is insufficient to determine the role of this variant in disease conclusively. Therefore, this variant is classified as a Variant of Uncertain Significance.

All of Us Research Program, National Institutes of Health
Classification: Uncertain significance for Catecholaminergic polymorphic ventricular tachycardia. Last evaluated: 2023-10-06. Review status: criteria provided, single submitter. Criteria: ACMG Guidelines, 2015. Collection method: clinical testing. Allele origin: germline. Inheritance: Autosomal dominant inheritance. Observed: 1 variant allele, 1 heterozygote.
Comment: This variant is located in the RYR2 protein. Computational prediction suggests that this variant may not impact protein structure and function (internally defined REVEL score threshold <= 0.5, PMID: 27666373). To our knowledge, functional studies have not been reported for this variant. This variant has not been reported in individuals affected with cardiovascular disorders in the literature. This variant has not been identified in the general population by the Genome Aggregation Database (gnomAD). The available evidence is insufficient to determine the role of this variant in disease conclusively. Therefore, this variant is classified as a Variant of Uncertain Significance.

This study involves interpretation of variants in research participants for the purpose of population health screening. Participant phenotype was not available at the time of variant classification. Additional details can be found in publication PMID: 35346344, PMCID: PMC8962531

Ambry Genetics
Classification: Uncertain significance for Cardiovascular phenotype. Last evaluated: 2021-10-01. Review status: criteria provided, single submitter. Criteria: Ambry Variant Classification Scheme 2023. Collection method: clinical testing. Allele origin: germline.
Comment: The p.V3099A variant (also known as c.9296T>C), located in coding exon 65 of the RYR2 gene, results from a T to C substitution at nucleotide position 9296. The valine at codon 3099 is replaced by alanine, an amino acid with similar properties. This amino acid position is well conserved in available vertebrate species. In addition, this alteration is predicted to be tolerated by in silico analysis. Since supporting evidence is limited at this time, the clinical significance of this alteration remains unclear.